The following is an entry in ClinVar:

ClinVar aggregate classification (germline): Uncertain significance (1 of 4 stars; one submission).

Conditions:
Hereditary spastic paraplegia 11. Also called: Spastic paraplegia, mental retardation and thin corpus callosum; Spastic Paraplegia 11; Nakamura Osame syndrome; Autosomal recessive hereditary spastic paraplegia, mental impairment, and thin corpus callosum; SPASTIC PARAPLEGIA, AUTOSOMAL RECESSIVE, COMPLICATED, WITH THIN CORPUS CALLOSUM; SPASTIC PARAPLEGIA, AUTOSOMAL RECESSIVE, WITH MENTAL IMPAIRMENT AND THIN CORPUS CALLOSUM. Identifiers: Orphanet 2822, MedGen C1858479, MONDO:0011445, OMIM 604360.

Submission:

Labcorp Genetics (formerly Invitae), Labcorp
Classification: Uncertain significance for Hereditary spastic paraplegia 11. Last evaluated: 2016-11-08. Review status: criteria provided, single submitter. Criteria: Invitae Variant Classification Sherloc (09022015). Collection method: clinical testing. Allele origin: germline.
Comment: This variant is a gross deletion of the genomic region encompassing exons 31-33 of the SPG11 gene. This leads to an in-frame deletion, preserving the integrity of the reading frame. This variant has not been reported in the literature in an individual with a SPG11-related disease. Experimental studies and prediction algorithms are not available for this variant, and the functional significance of the [duplicated/deleted] amino acid(s) is currently unknown. In summary, this is a novel in-frame deletion with uncertain impact on protein function. It has been classified as a Variant of Uncertain Significance.

NC_000015.10:g.(?_44572683)_(44575041_?)del

Gene: SPG11 (SPG11 vesicle trafficking associated, spatacsin; minus strand). Cytogenetic location: 15q21.1.
Variant type: Deletion.
Identifiers: ClinVar variation 417381 (VCV000417381.1).